The following is an entry in ClinVar:

NM_000297.4(PKD2):c.2528dup (p.Arg844fs)

Gene: PKD2 (polycystin 2, transient receptor potential cation channel; plus strand). Cytogenetic location: 4q22.1.
Variant type: Duplication.
Coding change: c.2528dup on transcript NM_000297.4 (MANE Select); coding-DNA position 2528, one base duplicated (T; older notation c.2528dupT).
Protein change: p.Arg844fs; shifts the reading frame from arginine 844.
Molecular consequence: frameshift variant. On other transcripts: non-coding transcript variant (1).
Genome position (GRCh38, 1-based): chr4:88,074,817, T duplicated. VCF-style (leftmost placement, unchanged base first): chr4-88074816-G-GT. GRCh37 (hg19) VCF-style: chr4-88995968-G-GT.
Other names: short protein forms R844fs.
Identifiers: ClinVar variation 3255039 (VCV003255039.2), dbSNP rs2476008710.

ClinVar aggregate classification (germline): Pathogenic (1 of 4 stars; one submission).

Conditions:
Polycystic kidney disease 2 (PKD2). Also called: Polycystic Kidney Disease 2, Autosomal Dominant; POLYCYSTIC KIDNEY DISEASE, ADULT, TYPE II; POLYCYSTIC KIDNEY DISEASE 2 WITH OR WITHOUT POLYCYSTIC LIVER DISEASE. Identifiers: MedGen C2751306, MONDO:0013131, OMIM 613095.

Submission:

Victorian Clinical Genetics Services, Murdoch Childrens Research Institute
Classification: Pathogenic for Polycystic kidney disease 2. Last evaluated: 2024-09-21. Review status: criteria provided, single submitter. Criteria: ACMG Guidelines, 2015. Collection method: clinical testing. Allele origin: germline. Inheritance: Autosomal dominant inheritance. Affected: yes.
Comment: Based on the classification scheme VCGS_Germline_v1.3.4, this variant is classified as Pathogenic. Following criteria are met: 0102 - Loss of function is a known mechanism of disease in this gene and is associated with polycystic kidney disease 2 (MIM#613095). (I) 0107 - This gene is associated with autosomal dominant disease. (I) 0201 - Variant is predicted to cause nonsense-mediated decay (NMD) and loss of protein (premature termination codon is located at least 54 nucleotides upstream of the final exon-exon junction). (SP) 0251 - This variant is heterozygous. (I) 0301 - Variant is absent from gnomAD (both v2 and v3). (SP) 0701 - Other NMD predicted variants comparable to the one identified in this case have very strong previous evidence for pathogenicity (DECIPHER). (SP) 0807 - This variant has no previous evidence of pathogenicity. (I) 0905 - No published segregation evidence has been identified for this variant. (I) 1007 - No published functional evidence has been identified for this variant. (I) 1208 - Inheritance information for this variant is not currently available in this individual. (I) Legend: (SP) - Supporting pathogenic, (I) - Information, (SB) - Supporting benign